The following is an entry in ClinVar:

ClinVar aggregate classification (germline): Likely pathogenic (1 of 4 stars; one submission).

Conditions:
EP300-related disorder. Also called: EP300-related condition; EP300-related disorders.

Submission:

PreventionGenetics, part of Exact Sciences
Classification: Likely pathogenic for EP300-related condition. Last evaluated: 2023-05-05. Review status: criteria provided, single submitter. Criteria: ACMG Guidelines, 2015. Collection method: clinical testing. Allele origin: germline.
Comment: The EP300 c.4070_4092del23 variant is predicted to result in a frameshift and premature protein termination (p.Thr1357Argfs*3). To our knowledge, this variant has not been reported in the literature or in a large population database, indicating this variant is rare. Frameshift variants in EP300 are expected to be pathogenic. This variant is interpreted as likely pathogenic.

NM_001429.4(EP300):c.4070_4092del (p.Thr1357fs)

Gene: EP300 (E1A binding protein p300; plus strand). Cytogenetic location: 22q13.2.
Variant type: Deletion.
Coding change: c.4070_4092del on transcript NM_001429.4 (MANE Select); coding-DNA positions 4070 to 4092, 23 bases deleted (CCAAAGCCCTCTTTGCCTTTGAA).
Protein change: p.Thr1357fs; shifts the reading frame from threonine 1357.
Molecular consequence: frameshift variant.
Genome position (GRCh38, 1-based): chr22:41,168,765-41,168,787, CCAAAGCCCTCTTTGCCTTTGAA deleted; deleting any 23 consecutive bases within chr22:41,168,762-41,168,787 gives the same sequence; the c. name uses the placement nearest the transcript's 3' end. VCF-style (leftmost placement, unchanged base first): chr22-41168761-CGAACCAAAGCCCTCTTTGCCTTT-C. GRCh37 (hg19) VCF-style: chr22-41564765-CGAACCAAAGCCCTCTTTGCCTTT-C.
Other names: c.3992_4014del, p.Thr1331fs (NM_001362843.2); short protein forms T1331fs, T1357fs.
Identifiers: ClinVar variation 2629199 (VCV002629199.1), dbSNP rs2517821051, ClinGen allele CA2695200125.